The following is an entry in ClinVar:

NM_000080.4(CHRNE):c.904C>G (p.Pro302Ala)

Genes: C17orf107 (chromosome 17 open reading frame 107; plus strand), CHRNE (cholinergic receptor nicotinic epsilon subunit; minus strand). Cytogenetic location: 17p13.2.
Variant type: single nucleotide variant.
Coding change: c.904C>G on transcript NM_000080.4 (MANE Select); coding-DNA position 904, C replaced by G.
Protein change: p.Pro302Ala; replaces proline 302 with alanine.
Molecular consequence: missense variant. On other transcripts: 3 prime UTR variant (1).
Genome position (GRCh38, 1-based): chr17:4,900,806, G>C on the plus strand (C>G on the coding strand, the complement: CHRNE is on the minus strand). VCF-style: chr17-4900806-G-C. GRCh37 (hg19) VCF-style: chr17-4804101-G-C.
Other names: c.*273G>C (NM_001145536.2); short protein forms P302A.
Identifiers: ClinVar variation 1066048 (VCV001066048.10), dbSNP rs979787967, ClinGen allele CA287182612.

ClinVar aggregate classification (germline): Conflicting classifications of pathogenicity. Review status: criteria provided, conflicting classifications (1 of 4 stars). 2 submissions from 2 submitters: Likely pathogenic (1); Uncertain significance (1). Last evaluated 2024-05-01.

Conditions:
Congenital myasthenic syndrome 4A. Also called: CONGENITAL MYASTHENIC SYNDROME TYPE Ia1; Myasthenic syndrome, congenital, 4a, slow-channel; MYASTHENIC SYNDROME, CONGENITAL, 4A, SLOW-CHANNEL, AUTOSOMAL RECESSIVE. Identifiers: Orphanet 590, MedGen C4225413, MONDO:0011600, OMIM 605809.

Allele frequency attached by ClinVar (database versions not stated): TOPMed below 0.00001; gnomAD 0.00001.
gnomAD v4.1: 3 of 1,613,622 alleles (0.00019%); highest among the groups gnomAD compares: Non-Finnish European, 0.00025%; no homozygotes.

Submissions (2):

GeneDx
Classification: Uncertain significance. Last evaluated: 2024-05-01. Review status: criteria provided, single submitter. Criteria: GeneDx Variant Classification Process June 2021. Collection method: clinical testing. Allele origin: germline. Affected: yes.
Comment: Not observed at significant frequency in large population cohorts (gnomAD); A different missense change at this residue (P320R) has been reported as pathogenic in the published literature and at GeneDx in association with a CHRNE-related disorder (PMID: 22382357); In silico analysis supports that this missense variant has a deleterious effect on protein structure/function; Has not been previously published as pathogenic or benign to our knowledge; This variant is associated with the following publications: (PMID: 22382357)

Labcorp Genetics (formerly Invitae), Labcorp
Classification: Likely pathogenic for Congenital myasthenic syndrome 4A. Last evaluated: 2023-12-13. Review status: criteria provided, single submitter. Criteria: Invitae Variant Classification Sherloc (09022015). Collection method: clinical testing. Allele origin: germline.
Comment: This sequence change replaces proline, which is neutral and non-polar, with alanine, which is neutral and non-polar, at codon 302 of the CHRNE protein (p.Pro302Ala). This variant is not present in population databases (gnomAD no frequency). This variant has not been reported in the literature in individuals affected with CHRNE-related conditions. ClinVar contains an entry for this variant (Variation ID: 1066048). Advanced modeling of protein sequence and biophysical properties (such as structural, functional, and spatial information, amino acid conservation, physicochemical variation, residue mobility, and thermodynamic stability) performed at Invitae indicates that this missense variant is expected to disrupt CHRNE protein function with a positive predictive value of 95%. This variant disrupts the p.Pro302 amino acid residue in CHRNE. Other variant(s) that disrupt this residue have been determined to be pathogenic (PMID: 22382357). This suggests that this residue is clinically significant, and that variants that disrupt this residue are likely to be disease-causing. In summary, the currently available evidence indicates that the variant is pathogenic, but additional data are needed to prove that conclusively. Therefore, this variant has been classified as Likely Pathogenic.

Literature cited by the submitters: PubMed 22382357 (cited by Labcorp Genetics (formerly Invitae), Labcorp).